The following is an entry in ClinVar:

ClinVar aggregate classification (germline): Likely benign. Review status: criteria provided, multiple submitters, no conflicts (2 of 4 stars). 3 submissions from 3 submitters: Likely benign (3). Last evaluated 2025-08-12.

Conditions:
PRPF31-related disorder. Also called: PRPF31-related condition.

Allele frequency attached by ClinVar (database versions not stated): gnomAD exomes 0.00001 and 0.00002.
gnomAD v4.1: 19 of 1,552,834 alleles (0.0012%); highest among the groups gnomAD compares: African/African-American, 0.0054%; no homozygotes.

Submissions (3):

PreventionGenetics, part of Exact Sciences
Classification: Likely benign for PRPF31-related condition. Last evaluated: 2025-08-12. Review status: criteria provided, single submitter. Criteria: ACMG Guidelines, 2015. Collection method: clinical testing. Allele origin: germline.
Comment: This variant is classified as likely benign based on ACMG/AMP sequence variant interpretation guidelines (Richards et al. 2015 PMID: 25741868, with internal and published modifications).

Blueprint Genetics
Classification: Likely benign. Last evaluated: 2024-06-18. Review status: criteria provided, single submitter. Criteria: ACMG Guidelines, 2015. Collection method: clinical testing. Allele origin: germline.

Labcorp Genetics (formerly Invitae), Labcorp
Classification: Likely benign. Last evaluated: 2023-06-16. Review status: criteria provided, single submitter. Criteria: Invitae Variant Classification Sherloc (09022015). Collection method: clinical testing. Allele origin: germline.

NM_015629.4(PRPF31):c.1002G>A (p.Pro334=)

Gene: PRPF31 (pre-mRNA processing factor 31; plus strand). Cytogenetic location: 19q13.42.
Variant type: single nucleotide variant.
Coding change: c.1002G>A on transcript NM_015629.4 (MANE Select); coding-DNA position 1002, G replaced by A.
Protein change: p.Pro334=; no amino-acid change (proline 334 retained).
Molecular consequence: synonymous variant.
Genome position (GRCh38, 1-based): chr19:54,128,129, G>A. VCF-style: chr19-54128129-G-A. GRCh37 (hg19) VCF-style: chr19-54631504-G-A.
Other names: c.1002G>A (NM_015629.3).
Identifiers: ClinVar variation 1632969 (VCV001632969.10), dbSNP rs772926331, ClinGen allele CA309329290.
Genomic context (GRCh38, chr19:54,128,129, plus strand): 5'-CCAGGTGGGCTACGAACTGAAGGATGAGATCGAGCGCAAATTCGACAAGTGGCAGGAGCC[G>A]CCGCCTGTGAAGCAGGTGAAGCCGCTGCCTGCGCCCCTGGATGGACAGCGGAAGAAGCGA-3'
Protein context (NP_056444.3, residues 324-344): IERKFDKWQE[Pro334=]PPVKQVKPLP